The following is an entry in ClinVar:

NM_020436.5(SALL4):c.199C>T (p.Arg67Cys)

Gene: SALL4 (spalt like transcription factor 4; minus strand). Cytogenetic location: 20q13.2.
Variant type: single nucleotide variant.
Coding change: c.199C>T on transcript NM_020436.5 (MANE Select); coding-DNA position 199, C replaced by T.
Protein change: p.Arg67Cys; replaces arginine 67 with cysteine.
Molecular consequence: missense variant.
Genome position (GRCh38, 1-based): chr20:51,792,284, G>A on the plus strand (C>T on the coding strand, the complement: SALL4 is on the minus strand). VCF-style: chr20-51792284-G-A. GRCh37 (hg19) VCF-style: chr20-50408823-G-A.
Other names: c.199C>T, p.Arg67Cys (NM_001318031.2); short protein forms R67C.
Identifiers: ClinVar variation 1801913 (VCV001801913.2), dbSNP rs765869556, ClinGen allele CA9912513.

ClinVar aggregate classification (germline): Uncertain significance. Review status: criteria provided, multiple submitters, no conflicts (2 of 4 stars). 2 submissions from 2 submitters: Uncertain significance (2). Last evaluated 2023-12-28.

Conditions:
Oculootoradial syndrome (IVIC). Also called: RADIAL RAY DEFECTS, HEARING IMPAIRMENT, EXTERNAL OPHTHALMOPLEGIA, AND THROMBOCYTOPENIA; IVIC syndrome. Identifiers: Orphanet 2307, MedGen C1327918, MONDO:0007836, OMIM 147750.
Duane-radial ray syndrome (DRRS). Also called: Duane-Radial Ray Syndrome (DRRS) / Okihiro Syndrome; ACRORENOOCULAR SYNDROME; DR SYNDROME; DUANE ANOMALY WITH RADIAL RAY ABNORMALITIES AND DEAFNESS; Okihiro Syndrome; Duane-Radial Ray Syndrome/Okihiro Syndrome. Identifiers: Orphanet 93293, Orphanet 959, MedGen C1623209, MONDO:0011812, OMIM 607323. Disease mechanism: gain of function.

Allele frequency attached by ClinVar (database versions not stated): gnomAD exomes below 0.00001; ExAC 0.00001.
gnomAD v4.1: 6 of 1,611,194 alleles (0.00037%); highest among the groups gnomAD compares: Non-Finnish European, 0.00042%; no homozygotes.

Submissions (2):

Fulgent Genetics
Classification: Uncertain significance for Oculootoradial syndrome; Duane-radial ray syndrome. Last evaluated: 2023-12-28. Review status: criteria provided, single submitter. Criteria: ACMG Guidelines, 2015. Collection method: clinical testing. Allele origin: germline.

GeneDx
Classification: Uncertain significance. Last evaluated: 2022-06-03. Review status: criteria provided, single submitter. Criteria: GeneDx Variant Classification Process June 2021. Collection method: clinical testing. Allele origin: germline. Affected: yes.
Comment: Not observed at significant frequency in large population cohorts (gnomAD); In silico analysis supports that this missense variant has a deleterious effect on protein structure/function; Has not been previously published as pathogenic or benign to our knowledge